The following is an entry in ClinVar:

ClinVar aggregate classification (germline): Likely benign (0 of 4 stars; one submission).

Conditions:
KSR2-related disorder. Also called: KSR2-related condition.

gnomAD v4.1: 12 of 1,534,800 alleles (0.00078%); highest among the groups gnomAD compares: African/African-American, 0.011%; no homozygotes.

Submission:

PreventionGenetics, part of Exact Sciences
Classification: Likely benign for KSR2-related condition. Last evaluated: 2023-11-01. Review status: no assertion criteria provided. Collection method: clinical testing. Allele origin: germline.
Comment: This variant is classified as likely benign based on ACMG/AMP sequence variant interpretation guidelines (Richards et al. 2015 PMID: 25741868, with internal and published modifications).

NM_173598.6(KSR2):c.753G>A (p.Ser251=)

Gene: KSR2 (kinase suppressor of ras 2; minus strand). Cytogenetic location: 12q24.23.
Variant type: single nucleotide variant.
Coding change: c.753G>A on transcript NM_173598.6 (MANE Select); coding-DNA position 753, G replaced by A.
Protein change: p.Ser251=; no amino-acid change (serine 251 retained).
Molecular consequence: synonymous variant.
Genome position (GRCh38, 1-based): chr12:117,761,244, C>T on the plus strand (G>A on the coding strand, the complement: KSR2 is on the minus strand). VCF-style: chr12-117761244-C-T. GRCh37 (hg19) VCF-style: chr12-118199049-C-T.
Identifiers: ClinVar variation 3352008 (VCV003352008.1).
Genomic context (GRCh38, chr12:117,761,244, plus strand): 5'-CACGGTGGTGACGATGTTGGGGGTGCGCGGCGGGGTGCGGACCGCGTGCCGCTGCCGGGG[C>T]GATGGGGGCAGGGAACGGTGGCCCGACTCCAGTGGCGGGGGCGGGCACAAGCCCGGGTAG-3'
Protein context (NP_775869.4, residues 241-261): LESGHRSLPP[Ser251=]PRQRHAVRTP